The following is an entry in ClinVar:

NM_001379451.1(BCORL1):c.2016C>T (p.Ala672=)

Gene: BCORL1 (BCL6 corepressor like 1; plus strand). Cytogenetic location: Xq26.1.
Variant type: single nucleotide variant.
Coding change: c.2016C>T on transcript NM_001379451.1 (MANE Select); coding-DNA position 2016, C replaced by T.
Protein change: p.Ala672=; no amino-acid change (alanine 672 retained).
Molecular consequence: synonymous variant.
Genome position (GRCh38, 1-based): chrX:130,014,788, C>T. VCF-style: chrX-130014788-C-T. GRCh37 (hg19) VCF-style: chrX-129148764-C-T.
Other names: c.2016C>T, p.Ala672= (NM_001184772.3, NM_001379450.1, NM_021946.5).
Identifiers: ClinVar variation 2661416 (VCV002661416.24), dbSNP rs370391548, ClinGen allele CA10514312.

ClinVar aggregate classification (germline): Likely benign (1 of 4 stars; one submission).

Allele frequency attached by ClinVar (database versions not stated): ExAC 0.00008; TOPMed 0.00008; ESP Exome Variant Server 0.00009; gnomAD 0.00012; gnomAD exomes 0.00013.
gnomAD v4.1: 158 of 1,209,296 alleles (0.013%); highest among the groups gnomAD compares: Middle Eastern, 0.023%; no homozygotes.

Submission:

CeGaT Center for Human Genetics Tuebingen
Classification: Likely benign. Last evaluated: 2022-11-01. Review status: criteria provided, single submitter. Criteria: CeGaT Center For Human Genetics Tuebingen Variant Classification Criteria Version 2. Collection method: clinical testing. Allele origin: germline. Affected: yes. Observed: 1 variant allele.
Comment: BCORL1: BP4, BP7, BS2